The following is an entry in ClinVar:

ClinVar aggregate classification (germline): Uncertain significance. Review status: criteria provided, single submitter (1 of 4 stars). 2 submissions from 2 submitters: Uncertain significance (1). 1 of the submissions does not count toward it. Last evaluated 2023-09-12.

Allele frequency attached by ClinVar (database versions not stated): gnomAD exomes below 0.00001 and 0.00001; ExAC 0.00001; gnomAD 0.00001; ESP Exome Variant Server 0.00015.
gnomAD v4.1: 6 of 1,614,062 alleles (0.00037%); highest among the groups gnomAD compares: African/African-American, 0.0067%; no homozygotes.

Submissions (2):

Labcorp Genetics (formerly Invitae), Labcorp
Classification: Uncertain significance. Last evaluated: 2023-09-12. Review status: criteria provided, single submitter. Criteria: Invitae Variant Classification Sherloc (09022015). Collection method: clinical testing. Allele origin: germline.
Comment: In summary, the available evidence is currently insufficient to determine the role of this variant in disease. Therefore, it has been classified as a Variant of Uncertain Significance. An algorithm developed to predict the effect of missense changes on protein structure and function (PolyPhen-2) suggests that this variant is likely to be tolerated. ClinVar contains an entry for this variant (Variation ID: 1049320). This variant has not been reported in the literature in individuals affected with SIAE-related conditions. This variant is present in population databases (rs145396113, gnomAD 0.01%). This sequence change replaces glutamine, which is neutral and polar, with lysine, which is basic and polar, at codon 101 of the SIAE protein (p.Gln101Lys).

Department of Pathology and Laboratory Medicine, Sinai Health System
Classification: Uncertain significance. Review status: no assertion criteria provided. Collection method: clinical testing. Allele origin: unknown. Affected: yes. Study: The Canadian Open Genetics Repository (COGR). Not counted in ClinVar's aggregate classification.

NM_170601.5(SIAE):c.301C>A (p.Gln101Lys)

Gene: SIAE (sialic acid acetylesterase; minus strand). Cytogenetic location: 11q24.2.
Variant type: single nucleotide variant.
Coding change: c.301C>A on transcript NM_170601.5 (MANE Select); coding-DNA position 301, C replaced by A.
Protein change: p.Gln101Lys; replaces glutamine 101 with lysine.
Molecular consequence: missense variant.
Genome position (GRCh38, 1-based): chr11:124,660,732, G>T on the plus strand (C>A on the coding strand, the complement: SIAE is on the minus strand). VCF-style: chr11-124660732-G-T. GRCh37 (hg19) VCF-style: chr11-124530628-G-T.
Other names: c.196C>A, p.Gln66Lys (NM_001199922.2); short protein forms Q101K, Q66K.
Identifiers: ClinVar variation 1049320 (VCV001049320.7), dbSNP rs145396113, ClinGen allele CA6341585.